The following is an entry in ClinVar:

NM_145725.3(TRAF3):c.9G>C (p.Ser3=)

Gene: TRAF3 (TNF receptor associated factor 3; plus strand). Cytogenetic location: 14q32.32.
Variant type: single nucleotide variant.
Coding change: c.9G>C on transcript NM_145725.3 (MANE Select); coding-DNA position 9, G replaced by C.
Protein change: p.Ser3=; no amino-acid change (serine 3 retained).
Molecular consequence: synonymous variant.
Genome position (GRCh38, 1-based): chr14:102,870,210, G>C. VCF-style: chr14-102870210-G-C. GRCh37 (hg19) VCF-style: chr14-103336547-G-C.
Other names: c.9G>C (NM_003300.3); c.9G>C, p.Ser3= (NM_001199427.2, NM_001385142.1, NM_001385143.1 and 2 more transcripts).
Identifiers: ClinVar variation 1151848 (VCV001151848.11), dbSNP rs377427517, ClinGen allele CA7359135.
Genomic context (GRCh38, chr14:102,870,210, plus strand): 5'-GGATATGATGGCACTCTACTGTTTTTTCCCGACAGAACTCCTCTTTCCTAAAATGGAGTC[G>C]AGTAAAAAGATGGACTCTCCTGGCGCGCTGCAGACTAACCCGCCGCTAAAGCTGCACACT-3'
Protein context (NP_663777.1, residues 1-13): ME[Ser3=]SKKMDSPGAL

ClinVar aggregate classification (germline): Likely benign. Review status: criteria provided, single submitter (1 of 4 stars). 2 submissions from 2 submitters: Likely benign (1). 1 of the submissions does not count toward it. Last evaluated 2025-12-18.

Conditions:
TRAF3-related disorder. Also called: TRAF3 related condition.
Immunodeficiency 132A. Also called: Herpes simplex encephalitis, susceptibility to, 3. Identifiers: Orphanet 1930, MedGen C3553868, MONDO:0013920, OMIM 614849.

Allele frequency attached by ClinVar (database versions not stated): ESP Exome Variant Server 0.00015; TOPMed 0.00004.
gnomAD v4.1: 12 of 1,613,956 alleles (0.00074%); highest among the groups gnomAD compares: African/African-American, 0.012%; no homozygotes.

Submissions (2):

Labcorp Genetics (formerly Invitae), Labcorp
Classification: Likely benign for Immunodeficiency 132A. Last evaluated: 2025-12-18. Review status: criteria provided, single submitter. Criteria: Invitae Variant Classification Sherloc (09022015). Collection method: clinical testing. Allele origin: germline.

PreventionGenetics, part of Exact Sciences
Classification: Likely benign for TRAF3-related condition. Last evaluated: 2023-10-18. Review status: no assertion criteria provided. Collection method: clinical testing. Allele origin: germline. Not counted in ClinVar's aggregate classification.
Comment: This variant is classified as likely benign based on ACMG/AMP sequence variant interpretation guidelines (Richards et al. 2015 PMID: 25741868, with internal and published modifications).